The following is an entry in ClinVar:

ClinVar aggregate classification (germline): Uncertain significance (1 of 4 stars; one submission).

Conditions:
Hereditary cancer-predisposing syndrome. Also called: Neoplastic Syndromes, Hereditary; Tumor predisposition; Hereditary neoplastic syndrome; Hereditary Cancer Syndrome. Identifiers: Orphanet 140162, MedGen C0027672, MeSH D009386, MONDO:0015356.

Submission:

Ambry Genetics
Classification: Uncertain significance for Hereditary cancer-predisposing syndrome. Last evaluated: 2023-12-14. Review status: criteria provided, single submitter. Criteria: Ambry Variant Classification Scheme 2023. Collection method: clinical testing. Allele origin: germline.
Comment: The p.G95V variant (also known as c.284G>T), located in coding exon 4 of the POT1 gene, results from a G to T substitution at nucleotide position 284. The glycine at codon 95 is replaced by valine, an amino acid with dissimilar properties. This amino acid position is well conserved in available vertebrate species. In addition, the in silico prediction for this alteration is inconclusive. Since supporting evidence is limited at this time, the clinical significance of this alteration remains unclear.

NM_015450.3(POT1):c.284G>T (p.Gly95Val)

Gene: POT1 (protection of telomeres 1; minus strand). Cytogenetic location: 7q31.33.
Variant type: single nucleotide variant.
Coding change: c.284G>T on transcript NM_015450.3 (MANE Select); coding-DNA position 284, G replaced by T.
Protein change: p.Gly95Val; replaces glycine 95 with valine.
Molecular consequence: missense variant. On other transcripts: 5 prime UTR variant (1), non-coding transcript variant (3).
Genome position (GRCh38, 1-based): chr7:124,863,612, C>A on the plus strand (G>T on the coding strand, the complement: POT1 is on the minus strand). VCF-style: chr7-124863612-C-A. GRCh37 (hg19) VCF-style: chr7-124503666-C-A.
Other names: c.-110G>T (NM_001042594.2); short protein forms G95V.
Identifiers: ClinVar variation 3226672 (VCV003226672.1), dbSNP rs1376690735, ClinGen allele CA369060405.